The following is an entry in ClinVar:

NM_000937.5(POLR2A):c.2993dup (p.Arg999fs)

Gene: POLR2A (RNA polymerase II subunit A; plus strand). Cytogenetic location: 17p13.1.
Variant type: Duplication.
Coding change: c.2993dup on transcript NM_000937.5 (MANE Select); coding-DNA position 2993, one base duplicated (C; older notation c.2993dupC).
Protein change: p.Arg999fs; shifts the reading frame from arginine 999.
Molecular consequence: frameshift variant.
Genome position (GRCh38, 1-based): chr17:7,503,449, C duplicated; the last of 3 consecutive C bases (chr17:7,503,447-7,503,449); duplicating any one gives the same sequence. VCF-style (leftmost placement, unchanged base first): chr17-7503446-A-AC. GRCh37 (hg19) VCF-style: chr17-7406765-A-AC.
Other names: short protein forms R999fs.
Identifiers: ClinVar variation 5017845 (VCV005017845.1).
Genomic context (GRCh38, chr17:7,503,446, plus strand): 5'-TCGTCCTCCCCTGTAACCTGCTGCGGATGATCTGGAATGCTCAGAAAATCTTCCACATCA[A>AC]CCCACGCCTTCCCTCCGACCTGCACCCCATCAAAGTGGTGGAGGGTAAGTACCTGCTTAG-3'

ClinVar aggregate classification (germline): Uncertain significance (1 of 4 stars; one submission).

Submission:

GeneDx
Classification: Uncertain significance. Last evaluated: 2026-03-28. Review status: criteria provided, single submitter. Criteria: GeneDx Variant Classification Process June 2021. Collection method: clinical testing. Allele origin: germline.
Comment: Not observed at significant frequency in large population cohorts (gnomAD); Frameshift variant predicted to result in protein truncation or nonsense mediated decay in a gene or region of a gene for which loss of function is not a well-established mechanism of disease; Has not been previously published as pathogenic or benign to our knowledge